The following is an entry in ClinVar:

NM_015047.3(EMC1):c.2977C>T (p.Arg993Ter)

Genes: EMC1 (ER membrane protein complex subunit 1; minus strand), EMC1-AS1 (EMC1 antisense RNA 1; plus strand). Cytogenetic location: 1p36.13.
Variant type: single nucleotide variant.
Coding change: c.2977C>T on transcript NM_015047.3 (MANE Select); coding-DNA position 2977, C replaced by T.
Protein change: p.Arg993Ter; replaces arginine 993 with a stop codon.
Molecular consequence: nonsense.
Genome position (GRCh38, 1-based): chr1:19,219,308, G>A on the plus strand (C>T on the coding strand, the complement: EMC1 is on the minus strand). VCF-style: chr1-19219308-G-A. GRCh37 (hg19) VCF-style: chr1-19545802-G-A.
Other names: c.2974C>T, p.Arg992Ter (NM_001271427.2, NM_001271428.2); c.2911C>T, p.Arg971Ter (NM_001271429.2); c.2986C>T, p.Arg996Ter (NM_001375820.1); c.2983C>T, p.Arg995Ter (NM_001375821.1); short protein forms R992*, R995*, R996*, R993*, R971*.
Identifiers: ClinVar variation 935713 (VCV000935713.7), dbSNP rs758888994, ClinGen allele CA338748589.

ClinVar aggregate classification (germline): Uncertain significance (1 of 4 stars; one submission).

gnomAD v4.1: 9 of 1,613,704 alleles (0.00056%); highest among the groups gnomAD compares: South Asian, 0.0011%; no homozygotes.

Submission:

Labcorp Genetics (formerly Invitae), Labcorp
Classification: Uncertain significance. Last evaluated: 2024-04-10. Review status: criteria provided, single submitter. Criteria: Invitae Variant Classification Sherloc (09022015). Collection method: clinical testing. Allele origin: germline.
Comment: This sequence change creates a premature translational stop signal (p.Arg993*) in the EMC1 gene. While this is not anticipated to result in nonsense mediated decay, it is expected to disrupt the last 1 amino acid(s) of the EMC1 protein. This variant is present in population databases (no rsID available, gnomAD 0.002%). This variant has not been reported in the literature in individuals affected with EMC1-related conditions. ClinVar contains an entry for this variant (Variation ID: 935713). Experimental studies and prediction algorithms are not available or were not evaluated, and the functional significance of this variant is currently unknown. In summary, the available evidence is currently insufficient to determine the role of this variant in disease. Therefore, it has been classified as a Variant of Uncertain Significance.